The following is an entry in ClinVar:

NM_017433.5(MYO3A):c.2224C>T (p.Gln742Ter)

Gene: MYO3A (myosin IIIA; plus strand). Cytogenetic location: 10p12.1.
Variant type: single nucleotide variant.
Coding change: c.2224C>T on transcript NM_017433.5 (MANE Select); coding-DNA position 2224, C replaced by T.
Protein change: p.Gln742Ter; replaces glutamine 742 with a stop codon.
Molecular consequence: nonsense.
Genome position (GRCh38, 1-based): chr10:26,128,500, C>T. VCF-style: chr10-26128500-C-T. GRCh37 (hg19) VCF-style: chr10-26417429-C-T.
Other names: short protein forms Q742*.
Identifiers: ClinVar variation 3631478 (VCV003631478.2).

ClinVar aggregate classification (germline): Pathogenic (1 of 4 stars; one submission).

Submission:

Labcorp Genetics (formerly Invitae), Labcorp
Classification: Pathogenic. Last evaluated: 2024-08-15. Review status: criteria provided, single submitter. Criteria: Invitae Variant Classification Sherloc (09022015). Collection method: clinical testing. Allele origin: germline.
Comment: This sequence change creates a premature translational stop signal (p.Gln742*) in the MYO3A gene. It is expected to result in an absent or disrupted protein product. Loss-of-function variants in MYO3A are known to be pathogenic (PMID: 12032315, 23990876). This variant is not present in population databases (gnomAD no frequency). This variant has not been reported in the literature in individuals affected with MYO3A-related conditions. Algorithms developed to predict the effect of sequence changes on RNA splicing suggest that this variant may disrupt the consensus splice site. For these reasons, this variant has been classified as Pathogenic.

Literature cited by the submitters: PubMed 12032315; PubMed 23990876.